The following is an entry in ClinVar:

ClinVar aggregate classification (germline): Conflicting classifications of pathogenicity. Review status: criteria provided, conflicting classifications (1 of 4 stars). 3 submissions from 3 submitters: Uncertain significance (2); Benign (1). Last evaluated 2025-08-22.

Conditions:
Hereditary cancer-predisposing syndrome. Also called: Hereditary neoplastic syndrome; Tumor predisposition; Neoplastic Syndromes, Hereditary; Hereditary Cancer Syndrome. Identifiers: Orphanet 140162, MedGen C0027672, MeSH D009386, MONDO:0015356.
Tuberous sclerosis syndrome (TSC). Also called: Tuberous Sclerosis Complex; Tuberous sclerosis. Identifiers: Orphanet 805, MedGen C0041341, MONDO:0001734.
Tuberous sclerosis 2 (TSC2). Identifiers: Orphanet 805, MedGen C1860707, MONDO:0013199, OMIM 613254.

Allele frequency attached by ClinVar (database versions not stated): gnomAD exomes below 0.00001; TOPMed 0.00001.

Submissions (3):

Ambry Genetics
Classification: Uncertain significance for Hereditary cancer-predisposing syndrome. Last evaluated: 2025-08-22. Review status: criteria provided, single submitter. Criteria: Ambry Variant Classification Scheme 2023. Collection method: clinical testing. Allele origin: germline.
Comment: The p.L507P variant (also known as c.1520T>C), located in coding exon 14 of the TSC2 gene, results from a T to C substitution at nucleotide position 1520. The leucine at codon 507 is replaced by proline, an amino acid with similar properties. This amino acid position is conserved. In addition, this alteration is predicted to be deleterious by in silico analysis. Since supporting evidence is limited at this time, the clinical significance of this alteration remains unclear.

All of Us Research Program, National Institutes of Health
Classification: Uncertain significance for Tuberous sclerosis syndrome. Last evaluated: 2024-06-09. Review status: criteria provided, single submitter. Criteria: ACMG Guidelines, 2015. Collection method: clinical testing. Allele origin: germline. Inheritance: Autosomal dominant inheritance. Observed: 3 variant alleles, 3 heterozygotes.
Comment: This missense variant replaces leucine with proline at codon 507 of the TSC2 protein. Computational prediction is inconclusive regarding the impact of this variant on protein structure and function (internally defined REVEL score threshold 0.5 < inconclusive < 0.7, PMID: 27666373). To our knowledge, functional studies have not been reported for this variant. This variant has not been reported in individuals affected with tuberous sclerosis complex in the literature. This variant has been identified in 1/251242 chromosomes in the general population by the Genome Aggregation Database (gnomAD). The available evidence is insufficient to determine the role of this variant in disease conclusively. Therefore, this variant is classified as a Variant of Uncertain Significance.

This study involves interpretation of variants in research participants for the purpose of population health screening. Participant phenotype was not available at the time of variant classification. Additional details can be found in publication PMID: 35346344, PMCID: PMC8962531

Labcorp Genetics (formerly Invitae), Labcorp
Classification: Benign for Tuberous sclerosis 2. Last evaluated: 2023-07-07. Review status: criteria provided, single submitter. Criteria: Invitae Variant Classification Sherloc (09022015). Collection method: clinical testing. Allele origin: germline.

NM_000548.5(TSC2):c.1520T>C (p.Leu507Pro)

Gene: TSC2 (TSC complex subunit 2; plus strand). Cytogenetic location: 16p13.3.
Variant type: single nucleotide variant.
Coding change: c.1520T>C on transcript NM_000548.5 (MANE Select); coding-DNA position 1520, T replaced by C.
Protein change: p.Leu507Pro; replaces leucine 507 with proline.
Molecular consequence: missense variant.
Genome position (GRCh38, 1-based): chr16:2,064,348, T>C. VCF-style: chr16-2064348-T-C. GRCh37 (hg19) VCF-style: chr16-2114349-T-C.
Other names: c.1520T>C, p.Leu507Pro (NM_001077183.3, NM_001114382.3, NM_001363528.2 and 3 more transcripts); c.1409T>C, p.Leu470Pro (NM_001318827.2); c.1373T>C, p.Leu458Pro (NM_001318829.2); c.920T>C, p.Leu307Pro (NM_001318831.2); c.1553T>C, p.Leu518Pro (NM_001318832.2); short protein forms L507P, L458P, L307P, L470P, L518P.
Identifiers: ClinVar variation 860604 (VCV000860604.12), dbSNP rs1413063599, ClinGen allele CA394326221.
Genomic context (GRCh38, chr16:2,064,348, plus strand): 5'-CAGTGGTCATCTCGCAGCTCTCCCACATCCCCGAGGATAAAGACCACCAGGTCCGAAAGC[T>C]GGCCACCCAGTTGCTGGTGGACCTGGCAGAGGGCTGCCACACACACCACTTCAACAGCCT-3'
Protein context (NP_000539.2, residues 497-517): PEDKDHQVRK[Leu507Pro]ATQLLVDLAE